The following is an entry in ClinVar:

NM_000137.4(FAH):c.648C>A (p.Ile216=)

Gene: FAH (fumarylacetoacetate hydrolase; plus strand). Cytogenetic location: 15q25.1.
Variant type: single nucleotide variant.
Coding change: c.648C>A on transcript NM_000137.4 (MANE Select); coding-DNA position 648, C replaced by A.
Protein change: p.Ile216=; no amino-acid change (isoleucine 216 retained).
Molecular consequence: synonymous variant.
Genome position (GRCh38, 1-based): chr15:80,172,190, C>A. VCF-style: chr15-80172190-C-A. GRCh37 (hg19) VCF-style: chr15-80464532-C-A.
Other names: c.648C>A, p.Ile216= (NM_001374377.1, NM_001374380.1).
Identifiers: ClinVar variation 502070 (VCV000502070.46), dbSNP rs147016995, ClinGen allele CA7691292.
Genomic context (GRCh38, chr15:80,172,190, plus strand): 5'-GAACTCTCCCCCATGTAAGGCTTTTTTTGTAGGCCCTGGAAACAGATTGGGAGAGCCGAT[C>A]CCCATTTCCAAGGCCCATGAGCACATTTTTGGAATGGTCCTTATGAACGACTGGAGTGGT-3'
Protein context (NP_000128.1, residues 206-226): VGPGNRLGEP[Ile216=]PISKAHEHIF

ClinVar aggregate classification (germline): Conflicting classifications of pathogenicity. Review status: criteria provided, conflicting classifications (1 of 4 stars). 6 submissions from 6 submitters: Uncertain significance (2); Likely benign (3). 1 of the submissions does not count toward it. Last evaluated 2026-01-20.

Conditions:
Tyrosinemia type I (TYRSN1). Also called: HEPATORENAL TYROSINEMIA; Deficiency of fumarylacetoacetase; FAH DEFICIENCY; Tyrosinemia type 1; Fumarylacetoacetase deficiency. Identifiers: Orphanet 882, MedGen C0268490, MONDO:0010161, OMIM 276700. Disease mechanism: loss of function.

Allele frequency attached by ClinVar (database versions not stated): TOPMed 0.00007; gnomAD 0.00010; ESP Exome Variant Server 0.00015; 1000 Genomes Project 30x 0.00031; 1000 Genomes Project 0.00040.
gnomAD v4.1: 164 of 1,614,106 alleles (0.01%); highest among the groups gnomAD compares: Middle Eastern, 0.2%; 1 homozygote.

Submissions (6):

Labcorp Genetics (formerly Invitae), Labcorp
Classification: Likely benign for Tyrosinemia type I. Last evaluated: 2026-01-20. Review status: criteria provided, single submitter. Criteria: Invitae Variant Classification Sherloc (09022015). Collection method: clinical testing. Allele origin: germline.

Blueprint Genetics
Classification: Likely benign. Last evaluated: 2024-08-22. Review status: criteria provided, single submitter. Criteria: ACMG Guidelines, 2015. Collection method: clinical testing. Allele origin: germline.

CeGaT Center for Human Genetics Tuebingen
Classification: Likely benign. Last evaluated: 2022-11-01. Review status: criteria provided, single submitter. Criteria: CeGaT Center For Human Genetics Tuebingen Variant Classification Criteria Version 2. Collection method: clinical testing. Allele origin: germline. Affected: yes. Observed: 1 variant allele.
Comment: FAH: BP4, BP7

Eurofins Ntd Llc (ga)
Classification: Uncertain significance. Last evaluated: 2018-01-12. Review status: criteria provided, single submitter. Criteria: EGL Classification Definitions 2015. Collection method: clinical testing. Allele origin: germline. Observed: 2 variant alleles, 2 heterozygotes.

Illumina Laboratory Services, Illumina
Classification: Uncertain significance for Tyrosinemia type I. Last evaluated: 2018-01-12. Review status: criteria provided, single submitter. Criteria: ICSL Variant Classification Criteria 13 December 2019. Collection method: clinical testing. Allele origin: germline.

Natera, Inc.
Classification: Uncertain significance for Tyrosinemia type I. Last evaluated: 2020-04-24. Review status: no assertion criteria provided. Collection method: clinical testing. Allele origin: germline. Not counted in ClinVar's aggregate classification.